The following is an entry in ClinVar:

NM_002439.5(MSH3):c.1244A>G (p.Glu415Gly)

Gene: MSH3 (mutS homolog 3; plus strand). Cytogenetic location: 5q14.1.
Variant type: single nucleotide variant.
Coding change: c.1244A>G on transcript NM_002439.5 (MANE Select); coding-DNA position 1244, A replaced by G.
Protein change: p.Glu415Gly; replaces glutamic acid 415 with glycine.
Molecular consequence: missense variant.
Genome position (GRCh38, 1-based): chr5:80,678,997, A>G. VCF-style: chr5-80678997-A-G. GRCh37 (hg19) VCF-style: chr5-79974816-A-G.
Other names: short protein forms E415G.
Identifiers: ClinVar variation 2893968 (VCV002893968.3), dbSNP rs2546726600, ClinGen allele CA360268962.

ClinVar aggregate classification (germline): Uncertain significance (1 of 4 stars; one submission).

Submission:

Labcorp Genetics (formerly Invitae), Labcorp
Classification: Uncertain significance. Last evaluated: 2023-11-29. Review status: criteria provided, single submitter. Criteria: Invitae Variant Classification Sherloc (09022015). Collection method: clinical testing. Allele origin: germline.
Comment: This sequence change replaces glutamic acid, which is acidic and polar, with glycine, which is neutral and non-polar, at codon 415 of the MSH3 protein (p.Glu415Gly). This variant is not present in population databases (gnomAD no frequency). This variant has not been reported in the literature in individuals affected with MSH3-related conditions. An algorithm developed to predict the effect of missense changes on protein structure and function (PolyPhen-2) suggests that this variant is likely to be disruptive. In summary, the available evidence is currently insufficient to determine the role of this variant in disease. Therefore, it has been classified as a Variant of Uncertain Significance.